The following is an entry in ClinVar:

ClinVar aggregate classification (germline): Likely benign (1 of 4 stars; one submission).

Conditions:
Sessile serrated polyposis cancer syndrome (SSPCS). Identifiers: Orphanet 157798, MedGen C4310714, MONDO:0014919, OMIM 617108.

Submission:

Myriad Genetics, Inc.
Classification: Likely benign for Sessile serrated polyposis cancer syndrome. Last evaluated: 2026-06-26. Review status: criteria provided, single submitter. Criteria: Myriad Autosomal Dominant, Autosomal Recessive and X-Linked Classification Criteria (2023). Collection method: clinical testing. Allele origin: unknown.
Comment: This variant is considered likely benign. This variant is intronic and is not expected to impact mRNA splicing.

NM_017763.6(RNF43):c.953-19T>C

Gene: RNF43 (ring finger protein 43; minus strand). Cytogenetic location: 17q22.
Variant type: single nucleotide variant.
Coding change: c.953-19T>C on transcript NM_017763.6 (MANE Select); 19 bases into the intron before coding-DNA position 953, T replaced by C.
Molecular consequence: intron variant.
Genome position (GRCh38, 1-based): chr17:58,358,842, A>G on the plus strand (T>C on the coding strand, the complement: RNF43 is on the minus strand). VCF-style: chr17-58358842-A-G. GRCh37 (hg19) VCF-style: chr17-56436203-A-G.
Other names: c.953-19T>C (NM_001438822.1, NM_001305544.3, NM_001438820.1 and 1 more transcripts); c.572-19T>C (NM_001305545.2, NM_001437987.1).
Identifiers: ClinVar variation 4875795 (VCV004875795.1).
Genomic context (GRCh38, chr17:58,358,842, plus strand): 5'-AAGATCGAGAGGGTCCCAGGGACTGGGAAAATGAATCTCCCTCTGGAAAAAAGAACCAAG[A>G]GCACAGATGTTTAACTCTACAAACCTACAGAGAATGCATTCAGAAAGACATGGCTGTAGC-3'